The following is an entry in ClinVar:

NM_201548.5(CERKL):c.1133+1G>T

Gene: CERKL (CERK like autophagy regulator; minus strand). Cytogenetic location: 2q31.3.
Variant type: single nucleotide variant.
Coding change: c.1133+1G>T on transcript NM_201548.5 (MANE Select); the canonical splice donor site of the intron after coding-DNA position 1133, G replaced by T.
Molecular consequence: splice donor variant.
Genome position (GRCh38, 1-based): chr2:181,548,544, C>A on the plus strand (G>T on the coding strand, the complement: CERKL is on the minus strand). VCF-style: chr2-181548544-C-A. GRCh37 (hg19) VCF-style: chr2-182413271-C-A.
Other names: c.794+1G>T (NM_001030312.3); c.1079+1G>T (NM_001160277.2); c.926+1G>T (NM_001030313.3); c.1211+1G>T (NM_001030311.3).
Identifiers: ClinVar variation 1946356 (VCV001946356.5), dbSNP rs2468294830, ClinGen allele CA349736149.

ClinVar aggregate classification (germline): Likely pathogenic (1 of 4 stars; one submission).

Submission:

Labcorp Genetics (formerly Invitae), Labcorp
Classification: Likely pathogenic. Last evaluated: 2024-02-12. Review status: criteria provided, single submitter. Criteria: Invitae Variant Classification Sherloc (09022015). Collection method: clinical testing. Allele origin: germline.
Comment: This sequence change affects a donor splice site in intron 9 of the CERKL gene. It is expected to disrupt RNA splicing. Variants that disrupt the donor or acceptor splice site typically lead to a loss of protein function (PMID: 16199547), and loss-of-function variants in CERKL are known to be pathogenic (PMID: 14681825, 23591405, 24043777). This variant is not present in population databases (gnomAD no frequency). This variant has not been reported in the literature in individuals affected with CERKL-related conditions. ClinVar contains an entry for this variant (Variation ID: 1946356). Algorithms developed to predict the effect of sequence changes on RNA splicing suggest that this variant may disrupt the consensus splice site. In summary, the currently available evidence indicates that the variant is pathogenic, but additional data are needed to prove that conclusively. Therefore, this variant has been classified as Likely Pathogenic.

Literature cited by the submitters: PubMed 16199547; PubMed 14681825; PubMed 23591405; PubMed 24043777.